The following is an entry in ClinVar:

NM_201596.3(CACNB2):c.114C>A (p.Ala38=)

Gene: CACNB2 (calcium voltage-gated channel auxiliary subunit beta 2; plus strand). Cytogenetic location: 10p12.33.
Variant type: single nucleotide variant.
Coding change: c.114C>A on transcript NM_201596.3 (MANE Select); coding-DNA position 114, C replaced by A.
Protein change: p.Ala38=; no amino-acid change (alanine 38 retained).
Molecular consequence: synonymous variant. On other transcripts: 5 prime UTR variant (3).
Genome position (GRCh38, 1-based): chr10:18,140,850, C>A. VCF-style: chr10-18140850-C-A. GRCh37 (hg19) VCF-style: chr10-18429779-C-A.
Other names: c.-330C>A (NM_001167945.2, NM_201571.4, NM_201572.4); c.114C>A, p.Ala38= (NM_201593.3, NM_201597.3).
Identifiers: ClinVar variation 5000173 (VCV005000173.1).

ClinVar aggregate classification (germline): Likely benign (1 of 4 stars; one submission).

Conditions:
CACNB2-related disorder. Also called: CACNB2-related condition.

gnomAD v4.1: 9 of 1,600,642 alleles (0.00056%); highest among the groups gnomAD compares: African/African-American, 0.008%; no homozygotes.

Submission:

PreventionGenetics, part of Exact Sciences
Classification: Likely benign for CACNB2-related condition. Last evaluated: 2026-06-22. Review status: criteria provided, single submitter. Criteria: ACMG Guidelines, 2015. Collection method: clinical testing. Allele origin: germline.
Comment: This variant is classified as likely benign based on ACMG/AMP sequence variant interpretation guidelines (Richards et al. 2015 PMID: 25741868, with internal and published modifications).